The following is an entry in ClinVar:

NM_001039591.3(USP9X):c.4469C>T (p.Pro1490Leu)

Gene: USP9X (ubiquitin specific peptidase 9 X-linked; plus strand). Cytogenetic location: Xp11.4.
Variant type: single nucleotide variant.
Coding change: c.4469C>T on transcript NM_001039591.3 (MANE Select); coding-DNA position 4469, C replaced by T.
Protein change: p.Pro1490Leu; replaces proline 1490 with leucine.
Molecular consequence: missense variant.
Genome position (GRCh38, 1-based): chrX:41,198,616, C>T. VCF-style: chrX-41198616-C-T. GRCh37 (hg19) VCF-style: chrX-41057869-C-T.
Other names: c.4469C>T, p.Pro1490Leu (NM_001039590.3); short protein forms P1490L.
Identifiers: ClinVar variation 548018 (VCV000548018.9), dbSNP rs1555929612, ClinGen allele CA412775413.

ClinVar aggregate classification (germline): Uncertain significance. Review status: criteria provided, multiple submitters, no conflicts (2 of 4 stars). 2 submissions from 2 submitters: Uncertain significance (2). Last evaluated 2023-09-19.

Conditions:
Intellectual developmental disorder, X-linked 99. Also called: Intellectual disability, X-linked 99. Identifiers: Orphanet 777, MedGen C3806746, MONDO:0010487, OMIM 300919.

Allele frequency attached by ClinVar (database versions not stated): gnomAD exomes below 0.00001.
gnomAD v4.1: 2 of 1,211,356 alleles (0.00017%); highest among the groups gnomAD compares: Non-Finnish European, 0.00022%; no homozygotes.

Submissions (2):

GeneDx
Classification: Uncertain significance. Last evaluated: 2023-09-19. Review status: criteria provided, single submitter. Criteria: GeneDx Variant Classification Process June 2021. Collection method: clinical testing. Allele origin: germline. Affected: yes.
Comment: Not observed at significant frequency in large population cohorts (gnomAD); In silico analysis supports that this missense variant has a deleterious effect on protein structure/function; This variant is associated with the following publications: (PMID: 33144682, 31443933)

Mayo Clinic Laboratories, Mayo Clinic
Classification: Uncertain significance for Intellectual developmental disorder, X-linked 99. Last evaluated: 2017-12-22. Review status: criteria provided, single submitter. Criteria: ACMG Guidelines, 2015. Collection method: clinical testing. Allele origin: maternal.